The following is an entry in ClinVar:

NM_013254.4(TBK1):c.1727C>G (p.Ala576Gly)

Gene: TBK1 (TANK binding kinase 1; plus strand). Cytogenetic location: 12q14.2.
Variant type: single nucleotide variant.
Coding change: c.1727C>G on transcript NM_013254.4 (MANE Select); coding-DNA position 1727, C replaced by G.
Protein change: p.Ala576Gly; replaces alanine 576 with glycine.
Molecular consequence: missense variant.
Genome position (GRCh38, 1-based): chr12:64,496,373, C>G. VCF-style: chr12-64496373-C-G. GRCh37 (hg19) VCF-style: chr12-64890153-C-G.
Other names: short protein forms A576G.
Identifiers: ClinVar variation 1434829 (VCV001434829.6), dbSNP rs767446906, ClinGen allele CA238275895.

ClinVar aggregate classification (germline): Uncertain significance (1 of 4 stars; one submission).

Conditions:
Frontotemporal dementia and/or amyotrophic lateral sclerosis 4. Also called: FTDALS4. Identifiers: Orphanet 275872, MedGen C4225325, MONDO:0014641, OMIM 616439.

gnomAD v4.1: 6 of 1,202,914 alleles (0.0005%); highest among the groups gnomAD compares: Non-Finnish European, 0.0007%; no homozygotes.

Submission:

Labcorp Genetics (formerly Invitae), Labcorp
Classification: Uncertain significance for Frontotemporal dementia and/or amyotrophic lateral sclerosis 4. Last evaluated: 2021-07-28. Review status: criteria provided, single submitter. Criteria: Invitae Variant Classification Sherloc (09022015). Collection method: clinical testing. Allele origin: germline.
Comment: In summary, the available evidence is currently insufficient to determine the role of this variant in disease. Therefore, it has been classified as a Variant of Uncertain Significance. Advanced modeling of protein sequence and biophysical properties (such as structural, functional, and spatial information, amino acid conservation, physicochemical variation, residue mobility, and thermodynamic stability) performed at Invitae indicates that this missense variant is not expected to disrupt TBK1 protein function. This variant has not been reported in the literature in individuals affected with TBK1-related conditions. This variant is not present in population databases (ExAC no frequency). This sequence change replaces alanine with glycine at codon 576 of the TBK1 protein (p.Ala576Gly). The alanine residue is highly conserved and there is a small physicochemical difference between alanine and glycine.